The following is an entry in ClinVar:

ClinVar aggregate classification (germline): Conflicting classifications of pathogenicity. Review status: criteria provided, conflicting classifications (1 of 4 stars). 3 submissions from 3 submitters: Uncertain significance (2); Likely benign (1). Last evaluated 2025-06-12.

Conditions:
Autosomal dominant nonsyndromic hearing loss 17. Also called: Autosomal dominant nonsyndromic deafness 17; Deafness, autosomal dominant 17. Identifiers: Orphanet 90635, MedGen C1863659, MONDO:0011350, OMIM 603622.
Macrothrombocytopenia and granulocyte inclusions with or without nephritis or sensorineural hearing loss (MATINS). Also called: MAY-HEGGLIN ANOMALY; SEBASTIAN PLATELET SYNDROME; MACROTHROMBOCYTOPENIA WITH DISPERSED LEUKOCYTIC INCLUSIONS; MACROTHROMBOCYTOPENIA, NEPHRITIS, AND DEAFNESS; MACROTHROMBOCYTOPENIA, NEPHRITIS, DEAFNESS, AND LEUKOCYTE INCLUSIONS; ALPORT SYNDROME WITH MACROTHROMBOCYTOPENIA. Identifiers: Orphanet 182050, MedGen C5200934, MONDO:0015912, OMIM 155100.

Allele frequency attached by ClinVar (database versions not stated): TOPMed 0.00001; ExAC 0.00003; gnomAD exomes 0.00004.
gnomAD v4.1: 28 of 1,611,686 alleles (0.0017%); highest among the groups gnomAD compares: Admixed American, 0.0083%; no homozygotes.

Submissions (3):

Labcorp Genetics (formerly Invitae), Labcorp
Classification: Likely benign. Last evaluated: 2025-06-12. Review status: criteria provided, single submitter. Criteria: Invitae Variant Classification Sherloc (09022015). Collection method: clinical testing. Allele origin: germline.

Fulgent Genetics
Classification: Uncertain significance for Macrothrombocytopenia and granulocyte inclusions with or without nephritis or sensorineural hearing loss; Autosomal dominant nonsyndromic hearing loss 17. Last evaluated: 2022-04-12. Review status: criteria provided, single submitter. Criteria: ACMG Guidelines, 2015. Collection method: clinical testing. Allele origin: unknown.

Laboratory for Molecular Medicine, Mass General Brigham Personalized Medicine
Classification: Uncertain significance. Last evaluated: 2014-03-15. Review status: criteria provided, single submitter. Criteria: LMM Criteria. Collection method: clinical testing. Allele origin: germline. Observed: 1 variant allele.
Comment: The Arg905His variant in MYH9 has not been previously reported in individuals wi th hearing loss or in large population studies. Computational prediction tools d o not provide strong support for or against an impact to the protein. In summary , additional information is needed to fully assess the clinical significance of this variant.

NM_002473.6(MYH9):c.2714G>A (p.Arg905His)

Genes: MYH9 (myosin heavy chain 9; minus strand), LOC126863137 (CDK7 strongly-dependent group 2 enhancer GRCh37_chr22:36696002-36697201; plus strand). Cytogenetic location: 22q12.3.
Variant type: single nucleotide variant.
Coding change: c.2714G>A on transcript NM_002473.6 (MANE Select); coding-DNA position 2714, G replaced by A.
Protein change: p.Arg905His; replaces arginine 905 with histidine.
Molecular consequence: missense variant.
Genome position (GRCh38, 1-based): chr22:36,300,975, C>T on the plus strand (G>A on the coding strand, the complement: MYH9 is on the minus strand). VCF-style: chr22-36300975-C-T. GRCh37 (hg19) VCF-style: chr22-36697021-C-T.
Other names: short protein forms R905H.
Identifiers: ClinVar variation 164448 (VCV000164448.11), dbSNP rs727503289, ClinGen allele CA177117.